The following is an entry in ClinVar:

ClinVar aggregate classification (germline): Uncertain significance (1 of 4 stars; one submission).

Conditions:
Cardiovascular phenotype. Identifiers: MedGen CN230736.

Submission:

Ambry Genetics
Classification: Uncertain significance for Cardiovascular phenotype. Last evaluated: 2024-02-13. Review status: criteria provided, single submitter. Criteria: Ambry Variant Classification Scheme 2023. Collection method: clinical testing. Allele origin: germline.
Comment: The p.E1223D variant (also known as c.3669G>C), located in coding exon 25 of the MYH7 gene, results from a G to C substitution at nucleotide position 3669. The glutamic acid at codon 1223 is replaced by aspartic acid, an amino acid with highly similar properties. This amino acid position is highly conserved in available vertebrate species. In addition, the in silico prediction for this alteration is inconclusive. Based on the available evidence, the clinical significance of this alteration remains unclear.

NM_000257.4(MYH7):c.3669G>C (p.Glu1223Asp)

Gene: MYH7 (myosin heavy chain 7; minus strand). Cytogenetic location: 14q11.2.
Variant type: single nucleotide variant.
Coding change: c.3669G>C on transcript NM_000257.4 (MANE Select); coding-DNA position 3669, G replaced by C.
Protein change: p.Glu1223Asp; replaces glutamic acid 1223 with aspartic acid.
Molecular consequence: missense variant.
Genome position (GRCh38, 1-based): chr14:23,419,902, C>G on the plus strand (G>C on the coding strand, the complement: MYH7 is on the minus strand). VCF-style: chr14-23419902-C-G. GRCh37 (hg19) VCF-style: chr14-23889111-C-G.
Other names: c.3669G>C, p.Glu1223Asp (NM_001407004.1); short protein forms E1223D.
Identifiers: ClinVar variation 3230908 (VCV003230908.1), dbSNP rs1023290989, ClinGen allele CA389043098.
Genomic context (GRCh38, chr14:23,419,902, plus strand): 5'-TGCCTTGGCCTTGATGATCTGCTCCATGTTGGAGGTGACGTCATCCAGCTCCAGCTTGAA[C>G]TCGCTCTTCTCCTTCTCCAGCTTCTGCTTCACCCGCTGCAGGTTGTCGATCTGCTCGCCC-3'
Protein context (NP_000248.2, residues 1213-1233): VKQKLEKEKS[Glu1223Asp]FKLELDDVTS